The following is an entry in ClinVar:

ClinVar aggregate classification (germline): Uncertain significance. Review status: criteria provided, multiple submitters, no conflicts (2 of 4 stars). 3 submissions from 3 submitters: Uncertain significance (3). Last evaluated 2025-06-26.

Conditions:
Malignant hyperthermia, susceptibility to, 1 (MHS1). Also called: Malignant hyperthermia suceptibility 1; Anesthesia related hyperthermia; Malignant hyperpyrexia; Fulminating hyperpyrexia; Pharmacogenic myopathy; RYR1-Related Malignant Hyperthermia Susceptibility. Identifiers: Orphanet 423, MedGen C2930980, MONDO:0007783, OMIM 145600.

Allele frequency attached by ClinVar (database versions not stated): gnomAD exomes below 0.00001; TOPMed below 0.00001.
gnomAD v4.1: 6 of 1,610,248 alleles (0.00037%); highest among the groups gnomAD compares: South Asian, 0.0011%; no homozygotes.

Submissions (3):

GeneDx
Classification: Uncertain significance. Last evaluated: 2025-06-26. Review status: criteria provided, single submitter. Criteria: GeneDx Variant Classification Process June 2021. Collection method: clinical testing. Allele origin: germline. Affected: yes.
Comment: Not observed at significant frequency in large population cohorts (gnomAD); In silico analysis supports that this missense variant has a deleterious effect on protein structure/function; Has not been previously published as pathogenic or benign to our knowledge; This variant is associated with the following publications: (PMID: 35346344)

Blueprint Genetics
Classification: Uncertain significance. Last evaluated: 2024-04-03. Review status: criteria provided, single submitter. Criteria: ACMG Guidelines, 2015. Collection method: clinical testing. Allele origin: germline.

All of Us Research Program, National Institutes of Health
Classification: Uncertain significance for Malignant hyperthermia, susceptibility to, 1. Last evaluated: 2023-08-15. Review status: criteria provided, single submitter. Criteria: ACMG Guidelines, 2015. Collection method: clinical testing. Allele origin: germline. Inheritance: Autosomal dominant inheritance. Observed: 1 variant allele, 1 heterozygote.
Comment: This study involves interpretation of variants in research participants for the purpose of population health screening. Participant phenotype was not available at the time of variant classification. Additional details can be found in publication PMID: 35346344, PMCID: PMC8962531

NM_000540.3(RYR1):c.3923C>T (p.Pro1308Leu)

Gene: RYR1 (ryanodine receptor 1; plus strand). Cytogenetic location: 19q13.2.
Variant type: single nucleotide variant.
Coding change: c.3923C>T on transcript NM_000540.3 (MANE Select); coding-DNA position 3923, C replaced by T.
Protein change: p.Pro1308Leu; replaces proline 1308 with leucine.
Molecular consequence: missense variant.
Genome position (GRCh38, 1-based): chr19:38,473,534, C>T. VCF-style: chr19-38473534-C-T. GRCh37 (hg19) VCF-style: chr19-38964174-C-T.
Other names: c.3923C>T, p.Pro1308Leu (NM_001042723.2); short protein forms P1308L.
Identifiers: ClinVar variation 3072647 (VCV003072647.3), dbSNP rs1240408895, ClinGen allele CA405642149.